The following is an entry in ClinVar:

NM_001036.6(RYR3):c.2872A>G (p.Met958Val)

Gene: RYR3 (ryanodine receptor 3; plus strand). Cytogenetic location: 15q14.
Variant type: single nucleotide variant.
Coding change: c.2872A>G on transcript NM_001036.6 (MANE Select); coding-DNA position 2872, A replaced by G.
Protein change: p.Met958Val; replaces methionine 958 with valine.
Molecular consequence: missense variant.
Genome position (GRCh38, 1-based): chr15:33,632,953, A>G. VCF-style: chr15-33632953-A-G. GRCh37 (hg19) VCF-style: chr15-33925154-A-G.
Other names: c.2872A>G, p.Met958Val (NM_001243996.4); c.2872A>G (NM_001036.3); short protein forms M958V.
Identifiers: ClinVar variation 855063 (VCV000855063.10), dbSNP rs780712251, ClinGen allele CA7458573.

ClinVar aggregate classification (germline): Uncertain significance. Review status: criteria provided, multiple submitters, no conflicts (2 of 4 stars). 2 submissions from 2 submitters: Uncertain significance (2). Last evaluated 2024-12-11.

Conditions:
Epileptic encephalopathy. Identifiers: MedGen C0543888, HP:0200134.

Allele frequency attached by ClinVar (database versions not stated): ExAC 0.00002; gnomAD 0.00002 and 0.00003; gnomAD exomes 0.00002; TOPMed 0.00004.
gnomAD v4.1: 30 of 1,611,590 alleles (0.0019%); highest among the groups gnomAD compares: Middle Eastern, 0.016%; no homozygotes.

Submissions (2):

Ambry Genetics
Classification: Uncertain significance. Last evaluated: 2024-12-11. Review status: criteria provided, single submitter. Criteria: Ambry Variant Classification Scheme 2023. Collection method: clinical testing. Allele origin: germline.

Labcorp Genetics (formerly Invitae), Labcorp
Classification: Uncertain significance for Epileptic encephalopathy. Last evaluated: 2021-03-05. Review status: criteria provided, single submitter. Criteria: Invitae Variant Classification Sherloc (09022015). Collection method: clinical testing. Allele origin: germline.
Comment: This sequence change replaces methionine with valine at codon 958 of the RYR3 protein (p.Met958Val). The methionine residue is highly conserved and there is a small physicochemical difference between methionine and valine. This variant is present in population databases (rs780712251, ExAC 0.01%). This variant has not been reported in the literature in individuals with RYR3-related conditions. Algorithms developed to predict the effect of missense changes on protein structure and function (SIFT, PolyPhen-2, Align-GVGD) all suggest that this variant is likely to be tolerated, but these predictions have not been confirmed by published functional studies and their clinical significance is uncertain. In summary, the available evidence is currently insufficient to determine the role of this variant in disease. Therefore, it has been classified as a Variant of Uncertain Significance.